The following is an entry in ClinVar:

ClinVar aggregate classification (germline): Uncertain significance (1 of 4 stars; one submission).

gnomAD v4.1: 8 of 1,613,628 alleles (0.0005%); highest among the groups gnomAD compares: South Asian, 0.0055%; no homozygotes.

Submission:

Labcorp Genetics (formerly Invitae), Labcorp
Classification: Uncertain significance. Last evaluated: 2025-10-15. Review status: criteria provided, single submitter. Criteria: Invitae Variant Classification Sherloc (09022015). Collection method: clinical testing. Allele origin: germline.
Comment: This sequence change replaces isoleucine, which is neutral and non-polar, with valine, which is neutral and non-polar, at codon 540 of the ROBO1 protein (p.Ile540Val). This variant is present in population databases (rs760630776, gnomAD 0.006%). This variant has not been reported in the literature in individuals affected with ROBO1-related conditions. Invitae Evidence Modeling of protein sequence and biophysical properties (such as structural, functional, and spatial information, amino acid conservation, physicochemical variation, residue mobility, and thermodynamic stability) indicates that this missense variant is not expected to disrupt ROBO1 protein function with a negative predictive value of 95%. In summary, the available evidence is currently insufficient to determine the role of this variant in disease. Therefore, it has been classified as a Variant of Uncertain Significance.

NM_002941.4(ROBO1):c.1618A>G (p.Ile540Val)

Gene: ROBO1 (roundabout guidance receptor 1; minus strand). Cytogenetic location: 3p12.3.
Variant type: single nucleotide variant.
Coding change: c.1618A>G on transcript NM_002941.4 (MANE Select); coding-DNA position 1618, A replaced by G.
Protein change: p.Ile540Val; replaces isoleucine 540 with valine.
Molecular consequence: missense variant.
Genome position (GRCh38, 1-based): chr3:78,668,496, T>C on the plus strand (A>G on the coding strand, the complement: ROBO1 is on the minus strand). VCF-style: chr3-78668496-T-C. GRCh37 (hg19) VCF-style: chr3-78717646-T-C.
Other names: c.1510A>G, p.Ile504Val (NM_001145845.2, NM_133631.4); short protein forms I504V, I540V.
Identifiers: ClinVar variation 4763828 (VCV004763828.1).
Genomic context (GRCh38, chr3:78,668,496, plus strand): 5'-AACTGCATTTTAAGCTTCACTTTAAGGGAAACACACCATTTACTTTACCTTGAACTTCAA[T>C]GTAAGCACTCCATGTTGCTTCACCACTGGGGGTTGATGCAATGCAGGTGTACCGACCAGT-3'
Protein context (NP_002932.1, residues 530-550): PSGEATWSAY[Ile540Val]EVQEFGVPVQ